The following is an entry in ClinVar:

NM_000091.5(COL4A3):c.4114C>T (p.Gln1372Ter)

Genes: COL4A3 (collagen type IV alpha 3 chain; plus strand), MFF-DT (MFF divergent transcript; minus strand). Cytogenetic location: 2q36.3.
Variant type: single nucleotide variant.
Coding change: c.4114C>T on transcript NM_000091.5 (MANE Select); coding-DNA position 4114, C replaced by T.
Protein change: p.Gln1372Ter; replaces glutamine 1372 with a stop codon.
Molecular consequence: nonsense.
Genome position (GRCh38, 1-based): chr2:227,304,105, C>T. VCF-style: chr2-227304105-C-T. GRCh37 (hg19) VCF-style: chr2-228168821-C-T.
Other names: short protein forms Q1372*.
Identifiers: ClinVar variation 1687414 (VCV001687414.1), dbSNP rs2106271012, ClinGen allele CA350862962.

ClinVar aggregate classification (germline): Pathogenic (1 of 4 stars; one submission).

Conditions:
Autosomal recessive Alport syndrome (ATS2). Also called: ALPORT SYNDROME 2, AUTOSOMAL RECESSIVE; Alport syndrome type 2; COL4A4 Alport Syndrome and Thin Basement Membrane Nephropathy; COL4A3-Related Nephropathy. Identifiers: Orphanet 63, Orphanet 88919, MedGen C4746745, MONDO:0008762, OMIM 203780.

Allele frequency attached by ClinVar (database versions not stated): gnomAD exomes below 0.00001.
gnomAD v4.1: 2 of 1,614,130 alleles (0.00012%); highest among the groups gnomAD compares: Non-Finnish European, 0.00017%; no homozygotes.

Submission:

3billion
Classification: Pathogenic for Autosomal recessive Alport syndrome. Last evaluated: 2022-05-22. Review status: criteria provided, single submitter. Criteria: ACMG Guidelines, 2015. Collection method: clinical testing. Allele origin: germline. Affected: yes. Observed: 1 homozygote.
Comment: The variant is not observed in the gnomAD v2.1.1 dataset. Stop-gained (nonsense): predicted to result in a loss or disruption of normal protein function through nonsense-mediated decay (NMD) or protein truncation. Multiple pathogenic variants are reported downstream of the variant. Therefore, this variant is classified as pathogenic according to the recommendation of ACMG/AMP guideline.